The following is an entry in ClinVar:

ClinVar aggregate classification (germline): Pathogenic (1 of 4 stars; one submission).

Conditions:
Nemaline myopathy 10 (NEM10). Identifiers: MedGen C4015360, MONDO:0014513, OMIM 616165.

Submission:

Labcorp Genetics (formerly Invitae), Labcorp
Classification: Pathogenic for Nemaline myopathy 10. Last evaluated: 2021-02-22. Review status: criteria provided, single submitter. Criteria: Invitae Variant Classification Sherloc (09022015). Collection method: clinical testing. Allele origin: germline.
Comment: This sequence change creates a premature translational stop signal (p.Gly324Valfs*8) in the LMOD3 gene. It is expected to result in an absent or disrupted protein product. Loss-of-function variants in LMOD3 are known to be pathogenic (PMID: 25250574). This variant is not present in population databases (ExAC no frequency). This variant has not been reported in the literature in individuals with LMOD3-related conditions. Algorithms developed to predict the effect of sequence changes on RNA splicing suggest that this variant may create or strengthen a splice site, but this prediction has not been confirmed by published transcriptional studies. For these reasons, this variant has been classified as Pathogenic.

Literature cited by the submitters: PubMed 25250574.

NM_198271.5(LMOD3):c.971del (p.Gly324fs)

Gene: LMOD3 (leiomodin 3; minus strand). Cytogenetic location: 3p14.1.
Variant type: Deletion.
Coding change: c.971del on transcript NM_198271.5 (MANE Select); coding-DNA position 971, one base deleted (G; older notation c.971delG).
Protein change: p.Gly324fs; shifts the reading frame from glycine 324.
Molecular consequence: frameshift variant.
Genome position (GRCh38, 1-based): chr3:69,119,384, C deleted on the plus strand (G on the coding strand, the reverse complement: LMOD3 is on the minus strand); the first of 2 consecutive C bases (chr3:69,119,384-69,119,385); deleting either gives the same sequence. VCF-style (leftmost placement, unchanged base first): chr3-69119383-AC-A. GRCh37 (hg19) VCF-style: chr3-69168534-AC-A.
Other names: c.971del, p.Gly324fs (NM_001304418.3); short protein forms G324fs.
Identifiers: ClinVar variation 1417273 (VCV001417273.6), dbSNP rs2107526351, ClinGen allele CA2573137455.
Genomic context (GRCh38, chr3:69,119,383, plus strand): 5'-CCGAAGCTCAGTTAGCGTCTCATTAAACTGGAGACACCTCATGATGGCCACAATCCCTTT[AC>A]CTGTGATGAAATTGGACTCGATGTTGAGAGTGGTGATGCTTCTATTTTCACGCAACATGT-3'